The following is an entry in ClinVar:

NM_181336.4(LEMD2):c.1084C>T (p.Arg362Cys)

Gene: LEMD2 (LEM domain nuclear envelope protein 2; minus strand). Cytogenetic location: 6p21.31.
Variant type: single nucleotide variant.
Coding change: c.1084C>T on transcript NM_181336.4 (MANE Select); coding-DNA position 1084, C replaced by T.
Protein change: p.Arg362Cys; replaces arginine 362 with cysteine.
Molecular consequence: missense variant.
Genome position (GRCh38, 1-based): chr6:33,778,314, G>A on the plus strand (C>T on the coding strand, the complement: LEMD2 is on the minus strand). VCF-style: chr6-33778314-G-A. GRCh37 (hg19) VCF-style: chr6-33746091-G-A.
Other names: c.178C>T, p.Arg60Cys (NM_001143944.1, NM_001348709.2); c.685C>T, p.Arg229Cys (NM_001348710.2); short protein forms R60C, R229C, R362C.
Identifiers: ClinVar variation 1968091 (VCV001968091.5), dbSNP rs1238458211, ClinGen allele CA363691018.

ClinVar aggregate classification (germline): Uncertain significance (1 of 4 stars; one submission).

Allele frequency attached by ClinVar (database versions not stated): gnomAD exomes below 0.00001.
gnomAD v4.1: 5 of 1,608,620 alleles (0.00031%); highest among the groups gnomAD compares: East Asian, 0.0022%; no homozygotes.

Submission:

Labcorp Genetics (formerly Invitae), Labcorp
Classification: Uncertain significance. Last evaluated: 2022-09-27. Review status: criteria provided, single submitter. Criteria: Invitae Variant Classification Sherloc (09022015). Collection method: clinical testing. Allele origin: germline.
Comment: In summary, the available evidence is currently insufficient to determine the role of this variant in disease. Therefore, it has been classified as a Variant of Uncertain Significance. Algorithms developed to predict the effect of missense changes on protein structure and function are either unavailable or do not agree on the potential impact of this missense change (SIFT: "Deleterious"; PolyPhen-2: "Probably Damaging"; Align-GVGD: "Class C15"). This variant has not been reported in the literature in individuals affected with LEMD2-related conditions. This variant is not present in population databases (gnomAD no frequency). This sequence change replaces arginine, which is basic and polar, with cysteine, which is neutral and slightly polar, at codon 362 of the LEMD2 protein (p.Arg362Cys).